The following is an entry in ClinVar:

NM_052867.4(NALCN):c.4850C>T (p.Thr1617Ile)

Gene: NALCN (sodium leak channel, non-selective; minus strand). Cytogenetic location: 13q32.3.
Variant type: single nucleotide variant.
Coding change: c.4850C>T on transcript NM_052867.4 (MANE Select); coding-DNA position 4850, C replaced by T.
Protein change: p.Thr1617Ile; replaces threonine 1617 with isoleucine.
Molecular consequence: missense variant.
Genome position (GRCh38, 1-based): chr13:101,059,873, G>A on the plus strand (C>T on the coding strand, the complement: NALCN is on the minus strand). VCF-style: chr13-101059873-G-A. GRCh37 (hg19) VCF-style: chr13-101712225-G-A.
Other names: c.4937C>T, p.Thr1646Ile (NM_001350748.2); c.4850C>T, p.Thr1617Ile (NM_001350749.2); c.4763C>T, p.Thr1588Ile (NM_001350750.2, NM_001350751.2); short protein forms T1588I, T1617I, T1646I.
Identifiers: ClinVar variation 1254010 (VCV001254010.10), dbSNP rs911906713, ClinGen allele CA388644099.
Genomic context (GRCh38, chr13:101,059,873, plus strand): 5'-CATACCTCAGGTTGCATGCTGTTGTCCTGACTGTTGGCATTCGTGTCCTCACTGGGCTGG[G>A]TGGTCTCGATGCTGGGCGGGTTCAGAAACCGGCTCAGCTCTTGCTGCTGACTCTCTCTCA-3'
Protein context (NP_443099.1, residues 1607-1627): RFLNPPSIET[Thr1617Ile]QPSEDTNANS

ClinVar aggregate classification (germline): Uncertain significance. Review status: criteria provided, multiple submitters, no conflicts (2 of 4 stars). 4 submissions from 4 submitters: Uncertain significance (3). 1 of the submissions does not count toward it. Last evaluated 2025-01-30.

Conditions:
NALCN-related disorder. Also called: NALCN-related condition; NALCN-related disorders.
Inborn genetic diseases. Identifiers: MedGen C0950123, MeSH D030342.

Allele frequency attached by ClinVar (database versions not stated): gnomAD 0.00005 and 0.00006.
gnomAD v4.1: 11 of 1,613,922 alleles (0.00068%); highest among the groups gnomAD compares: Admixed American, 0.013%; no homozygotes.

Submissions (4):

Labcorp Genetics (formerly Invitae), Labcorp
Classification: Uncertain significance. Last evaluated: 2025-01-30. Review status: criteria provided, single submitter. Criteria: Invitae Variant Classification Sherloc (09022015). Collection method: clinical testing. Allele origin: germline.
Comment: This sequence change replaces threonine, which is neutral and polar, with isoleucine, which is neutral and non-polar, at codon 1617 of the NALCN protein (p.Thr1617Ile). This variant is present in population databases (no rsID available, gnomAD 0.003%). This variant has not been reported in the literature in individuals affected with NALCN-related conditions. ClinVar contains an entry for this variant (Variation ID: 1254010). Invitae Evidence Modeling of protein sequence and biophysical properties (such as structural, functional, and spatial information, amino acid conservation, physicochemical variation, residue mobility, and thermodynamic stability) indicates that this missense variant is not expected to disrupt NALCN protein function with a negative predictive value of 80%. In summary, the available evidence is currently insufficient to determine the role of this variant in disease. Therefore, it has been classified as a Variant of Uncertain Significance.

GeneDx
Classification: Uncertain significance. Last evaluated: 2022-11-29. Review status: criteria provided, single submitter. Criteria: GeneDx Variant Classification Process June 2021. Collection method: clinical testing. Allele origin: germline. Affected: yes.
Comment: Has not been previously published as pathogenic or benign to our knowledge; Not observed in large population cohorts (gnomAD); In silico analysis supports that this missense variant does not alter protein structure/function

Ambry Genetics
Classification: Uncertain significance for Inborn genetic diseases. Last evaluated: 2021-09-27. Review status: criteria provided, single submitter. Criteria: Ambry Variant Classification Scheme 2023. Collection method: clinical testing. Allele origin: germline.

PreventionGenetics, part of Exact Sciences
Classification: Uncertain significance for NALCN-related condition. Last evaluated: 2024-09-08. Review status: no assertion criteria provided. Collection method: clinical testing. Allele origin: germline. Not counted in ClinVar's aggregate classification.
Comment: The NALCN c.4850C>T variant is predicted to result in the amino acid substitution p.Thr1617Ile. To our knowledge, this variant has not been reported in the literature or in a large population database, indicating this variant is rare. At this time, the clinical significance of this variant is uncertain due to the absence of conclusive functional and genetic evidence.